The following is an entry in ClinVar:

NM_021831.6(AGBL5):c.1802G>A (p.Arg601Gln)

Gene: AGBL5 (AGBL carboxypeptidase 5; plus strand). Cytogenetic location: 2p23.3.
Variant type: single nucleotide variant.
Coding change: c.1802G>A on transcript NM_021831.6 (MANE Select); coding-DNA position 1802, G replaced by A.
Protein change: p.Arg601Gln; replaces arginine 601 with glutamine.
Molecular consequence: missense variant. On other transcripts: non-coding transcript variant (2).
Genome position (GRCh38, 1-based): chr2:27,058,530, G>A. VCF-style: chr2-27058530-G-A. GRCh37 (hg19) VCF-style: chr2-27281398-G-A.
Other names: c.1802G>A, p.Arg601Gln (NM_001035507.3); short protein forms R601Q.
Identifiers: ClinVar variation 1400837 (VCV001400837.5), dbSNP rs751993277, ClinGen allele CA1567971.

ClinVar aggregate classification (germline): Uncertain significance (1 of 4 stars; one submission).

Allele frequency attached by ClinVar (database versions not stated): gnomAD 0.00001; gnomAD exomes 0.00002; TOPMed 0.00003; ExAC 0.00004.
gnomAD v4.1: 24 of 1,614,046 alleles (0.0015%); highest among the groups gnomAD compares: Non-Finnish European, 0.0019%; no homozygotes.

Submission:

Labcorp Genetics (formerly Invitae), Labcorp
Classification: Uncertain significance. Last evaluated: 2021-09-01. Review status: criteria provided, single submitter. Criteria: Invitae Variant Classification Sherloc (09022015). Collection method: clinical testing. Allele origin: germline.
Comment: This sequence change replaces arginine with glutamine at codon 601 of the AGBL5 protein (p.Arg601Gln). The arginine residue is moderately conserved and there is a small physicochemical difference between arginine and glutamine. This variant is present in population databases (rs751993277, ExAC 0.007%). This variant has not been reported in the literature in individuals affected with AGBL5-related conditions. Algorithms developed to predict the effect of missense changes on protein structure and function (SIFT, PolyPhen-2, Align-GVGD) all suggest that this variant is likely to be tolerated. In summary, the available evidence is currently insufficient to determine the role of this variant in disease. Therefore, it has been classified as a Variant of Uncertain Significance.